The following is an entry in ClinVar:

ClinVar aggregate classification (germline): Uncertain significance (1 of 4 stars; one submission).

Conditions:
Epileptic encephalopathy. Identifiers: MedGen C0543888, HP:0200134.

Allele frequency attached by ClinVar (database versions not stated): TOPMed 0.00001.

Submission:

Labcorp Genetics (formerly Invitae), Labcorp
Classification: Uncertain significance for Epileptic encephalopathy. Last evaluated: 2018-11-07. Review status: criteria provided, single submitter. Criteria: Invitae Variant Classification Sherloc (09022015). Collection method: clinical testing. Allele origin: germline.
Comment: In summary, the available evidence is currently insufficient to determine the role of this variant in disease. Therefore, it has been classified as a Variant of Uncertain Significance. Algorithms developed to predict the effect of missense changes on protein structure and function output the following: SIFT: "Tolerated"; PolyPhen-2: "Benign"; Align-GVGD: "Class C0". The valine amino acid residue is found in multiple mammalian species, suggesting that this missense change does not adversely affect protein function. These predictions have not been confirmed by published functional studies and their clinical significance is uncertain. This variant has not been reported in the literature in individuals with FASN-related disease. This variant is not present in population databases (ExAC no frequency). This sequence change replaces alanine with valine at codon 526 of the FASN protein (p.Ala526Val). The alanine residue is highly conserved and there is a small physicochemical difference between alanine and valine.

NM_004104.5(FASN):c.1577C>T (p.Ala526Val)

Gene: FASN (fatty acid synthase; minus strand). Cytogenetic location: 17q25.3.
Variant type: single nucleotide variant.
Coding change: c.1577C>T on transcript NM_004104.5 (MANE Select); coding-DNA position 1577, C replaced by T.
Protein change: p.Ala526Val; replaces alanine 526 with valine.
Molecular consequence: missense variant.
Genome position (GRCh38, 1-based): chr17:82,090,985, G>A on the plus strand (C>T on the coding strand, the complement: FASN is on the minus strand). VCF-style: chr17-82090985-G-A. GRCh37 (hg19) VCF-style: chr17-80048861-G-A.
Other names: short protein forms A526V.
Identifiers: ClinVar variation 531041 (VCV000531041.9), dbSNP rs1449518570, ClinGen allele CA401560154.